The following is an entry in ClinVar:

ClinVar aggregate classification (germline): Uncertain significance. Review status: criteria provided, multiple submitters, no conflicts (2 of 4 stars). 3 submissions from 3 submitters: Uncertain significance (3). Last evaluated 2026-05-05.

Conditions:
Hereditary factor VIII deficiency disease (HEMA). Also called: AUTOSOMAL HEMOPHILIA A; HEMOPHILIA, CLASSIC; Hemophilia A, congenital; HEM A; Factor 8 deficiency, congenital; Hemophilia A. Identifiers: Orphanet 98878, MedGen C0019069, MONDO:0010602, OMIM 306700.

gnomAD v4.1: 1 of 1,211,357 alleles (0.000083%); no homozygotes.

Submissions (3):

Myriad Genetics, Inc.
Classification: Uncertain significance for Hereditary factor VIII deficiency disease. Last evaluated: 2026-05-05. Review status: criteria provided, single submitter. Criteria: Myriad Autosomal Dominant, Autosomal Recessive and X-Linked Classification Criteria (2023). Collection method: clinical testing. Allele origin: unknown.
Comment: NM_000132.3(F8):c.1724A>C(K575T) is a missense variant classified as a variant of uncertain significance in the context of hemophilia A. K575T has been observed in cases with relevant disease (PMID: 34272389). Relevant functional assessments of this variant are not available in the literature. K575T has not been observed in referenced population frequency databases. In summary, there is insufficient evidence to classify NM_000132.3(F8):c.1724A>C(K575T) as pathogenic or benign. Please note: this variant was assessed in the context of healthy population screening.

ARUP Laboratories, Molecular Genetics and Genomics, ARUP Laboratories
Classification: Uncertain significance. Last evaluated: 2025-05-02. Review status: criteria provided, single submitter. Criteria: ARUP Molecular Germline Variant Investigation Process 2024. Collection method: clinical testing. Allele origin: germline.
Comment: The F8 c.1724A>C; p.Lys575Thr variant (rs2073367952, ClinVar Variation ID: 1098537), also known as p.Lys556Thr, is reported in an individual from a bleeding disorder cohort (Baz 2021). This variant is absent from the Genome Aggregation Database (v2.1.1), indicating it is not a common polymorphism. Computational analyses are uncertain whether this variant is neutral or deleterious (REVEL: 0.698), but predict that this variant may impact splicing by creating a novel cryptic acceptor splice site. However, this impact on splicing has not been proven experimentally. Due to limited information, the clinical significance of this variant is uncertain at this time. References: Baz B et al. Molecular classification of blood and bleeding disorder genes. NPJ Genom Med. 2021 Jul 16;6(1):62. PMID: 34272389

Genomic Medicine Center of Excellence, King Faisal Specialist Hospital and Research Centre
Classification: Uncertain significance for Hereditary factor VIII deficiency disease. Last evaluated: 2021-04-28. Review status: criteria provided, single submitter. Criteria: ACMG Guidelines, 2015. Collection method: research. Allele origin: germline.

Literature cited by the submitters: PubMed 34272389 (cited by Myriad Genetics, Inc.).

NM_000132.4(F8):c.1724A>C (p.Lys575Thr)

Gene: F8 (coagulation factor VIII; minus strand). Cytogenetic location: Xq28.
Variant type: single nucleotide variant.
Coding change: c.1724A>C on transcript NM_000132.4 (MANE Select); coding-DNA position 1724, A replaced by C.
Protein change: p.Lys575Thr; replaces lysine 575 with threonine.
Molecular consequence: missense variant.
Genome position (GRCh38, 1-based): chrX:154,956,985, T>G on the plus strand (A>C on the coding strand, the complement: F8 is on the minus strand). VCF-style: chrX-154956985-T-G. GRCh37 (hg19) VCF-style: chrX-154185260-T-G.
Other names: short protein forms K575T.
Identifiers: ClinVar variation 1098537 (VCV001098537.4), dbSNP rs2073367952, ClinGen allele CA414911663.
Genomic context (GRCh38, chrX:154,956,985, plus strand): 5'-GAAACCCAGCACTTGGAAAGGCAAGAACTCACCTGGTTTCCTCTTTGATCTACAGATTCT[T>G]TGTAGCAGATGAGGAGAGGGCCAATGAGTCCTGAAGCTAGATCTCTCTCCATATTAACGA-3'
Protein context (NP_000123.1, residues 565-585): GLIGPLLICY[Lys575Thr]ESVDQRGNQI